The following is an entry in ClinVar:

NM_004526.4(MCM2):c.1174C>T (p.Arg392Cys)

Gene: MCM2 (minichromosome maintenance complex component 2; plus strand). Cytogenetic location: 3q21.3.
Variant type: single nucleotide variant.
Coding change: c.1174C>T on transcript NM_004526.4 (MANE Select); coding-DNA position 1174, C replaced by T.
Protein change: p.Arg392Cys; replaces arginine 392 with cysteine.
Molecular consequence: missense variant. On other transcripts: non-coding transcript variant (1).
Genome position (GRCh38, 1-based): chr3:127,608,454, C>T. VCF-style: chr3-127608454-C-T. GRCh37 (hg19) VCF-style: chr3-127327297-C-T.
Other names: short protein forms R392C.
Identifiers: ClinVar variation 2492371 (VCV002492371.6), dbSNP rs932560510, ClinGen allele CA83311624.

ClinVar aggregate classification (germline): Uncertain significance. Review status: criteria provided, multiple submitters, no conflicts (2 of 4 stars). 2 submissions from 2 submitters: Uncertain significance (2). Last evaluated 2025-03-27.

Allele frequency attached by ClinVar (database versions not stated): gnomAD 0.00003; gnomAD exomes 0.00003; TOPMed 0.00005.

Submissions (2):

Ambry Genetics
Classification: Uncertain significance. Last evaluated: 2025-03-27. Review status: criteria provided, single submitter. Criteria: Ambry Variant Classification Scheme 2023. Collection method: clinical testing. Allele origin: germline.

Labcorp Genetics (formerly Invitae), Labcorp
Classification: Uncertain significance. Last evaluated: 2023-08-17. Review status: criteria provided, single submitter. Criteria: Invitae Variant Classification Sherloc (09022015). Collection method: clinical testing. Allele origin: germline.
Comment: ClinVar contains an entry for this variant (Variation ID: 2492371). This sequence change replaces arginine, which is basic and polar, with cysteine, which is neutral and slightly polar, at codon 392 of the MCM2 protein (p.Arg392Cys). This variant is present in population databases (no rsID available, gnomAD 0.004%). This variant has not been reported in the literature in individuals affected with MCM2-related conditions. Advanced modeling of protein sequence and biophysical properties (such as structural, functional, and spatial information, amino acid conservation, physicochemical variation, residue mobility, and thermodynamic stability) performed at Invitae indicates that this missense variant is expected to disrupt MCM2 protein function. In summary, the available evidence is currently insufficient to determine the role of this variant in disease. Therefore, it has been classified as a Variant of Uncertain Significance.